The following is an entry in ClinVar:

NM_021968.4(H4C11):c.153C>T (p.Ile51=)

Gene: H4C11 (H4 clustered histone 11; plus strand). Cytogenetic location: 6p22.1.
Variant type: single nucleotide variant.
Coding change: c.153C>T on transcript NM_021968.4 (MANE Select); coding-DNA position 153, C replaced by T.
Protein change: p.Ile51=; no amino-acid change (isoleucine 51 retained).
Molecular consequence: synonymous variant.
Genome position (GRCh38, 1-based): chr6:27,824,277, C>T. VCF-style: chr6-27824277-C-T. GRCh37 (hg19) VCF-style: chr6-27792055-C-T.
Identifiers: ClinVar variation 3770866 (VCV003770866.13).
Genomic context (GRCh38, chr6:27,824,277, plus strand): 5'-CAAGCCGGCCATCCGGCGCCTTGCTCGCCGCGGCGGCGTGAAGCGCATCTCCGGCCTCAT[C>T]TACGAGGAGACTCGCGGGGTGCTGAAGGTGTTCCTGGAGAACGTGATCCGGGACGCCGTG-3'
Protein context (NP_068803.1, residues 41-61): RGGVKRISGL[Ile51=]YEETRGVLKV

ClinVar aggregate classification (germline): Likely benign (1 of 4 stars; one submission).

Submission:

CeGaT Center for Human Genetics Tuebingen
Classification: Likely benign. Last evaluated: 2025-02-01. Review status: criteria provided, single submitter. Criteria: CeGaT Center For Human Genetics Tuebingen Variant Classification Criteria Version 2. Collection method: clinical testing. Allele origin: germline. Affected: yes. Observed: 1 variant allele.
Comment: H4C11: BP4, BP7